The following is an entry in ClinVar:

NM_016239.4(MYO15A):c.3092C>T (p.Thr1031Ile)

Gene: MYO15A (myosin XVA; plus strand). Cytogenetic location: 17p11.2.
Variant type: single nucleotide variant.
Coding change: c.3092C>T on transcript NM_016239.4 (MANE Select); coding-DNA position 3092, C replaced by T.
Protein change: p.Thr1031Ile; replaces threonine 1031 with isoleucine.
Molecular consequence: missense variant.
Genome position (GRCh38, 1-based): chr17:18,121,892, C>T. VCF-style: chr17-18121892-C-T. GRCh37 (hg19) VCF-style: chr17-18025206-C-T.
Other names: short protein forms T1031I.
Identifiers: ClinVar variation 1428584 (VCV001428584.11), dbSNP rs377182808, ClinGen allele CA8423373.
Genomic context (GRCh38, chr17:18,121,892, plus strand): 5'-AGCCTGAAGAAGAGGCCACCCTGGGGGACCCCCAGCTGCCAGCAGAGACCAAGCCTCCAA[C>T]CCCAGCACCTCCCAAGGATGTCACTCCCCCCAAGGATATCACTCCCCCCAAGGATGTCCT-3'
Protein context (NP_057323.3, residues 1021-1041): PQLPAETKPP[Thr1031Ile]PAPPKDVTPP

ClinVar aggregate classification (germline): Conflicting classifications of pathogenicity. Review status: criteria provided, conflicting classifications (1 of 4 stars). 3 submissions from 3 submitters: Uncertain significance (1); Likely benign (2). Last evaluated 2024-02-22.

Conditions:
Inborn genetic diseases. Identifiers: MedGen C0950123, MeSH D030342.

Allele frequency attached by ClinVar (database versions not stated): gnomAD exomes 0.00001 and 0.00004; ExAC 0.00005; TOPMed 0.00011; gnomAD 0.00015; 1000 Genomes Project 30x 0.00016; ESP Exome Variant Server 0.00016; 1000 Genomes Project 0.00020.
gnomAD v4.1: 42 of 1,612,894 alleles (0.0026%); highest among the groups gnomAD compares: African/African-American, 0.053%; no homozygotes.

Submissions (3):

Labcorp Genetics (formerly Invitae), Labcorp
Classification: Likely benign. Last evaluated: 2024-02-22. Review status: criteria provided, single submitter. Criteria: Invitae Variant Classification Sherloc (09022015). Collection method: clinical testing. Allele origin: germline.

Ambry Genetics
Classification: Likely benign for Inborn genetic diseases. Last evaluated: 2023-07-19. Review status: criteria provided, single submitter. Criteria: Ambry Variant Classification Scheme 2023. Collection method: clinical testing. Allele origin: germline.

GeneDx
Classification: Uncertain significance. Last evaluated: 2022-03-31. Review status: criteria provided, single submitter. Criteria: GeneDx Variant Classification Process June 2021. Collection method: clinical testing. Allele origin: germline. Affected: yes.
Comment: In silico analysis supports that this missense variant does not alter protein structure/function; Has not been previously published as pathogenic or benign to our knowledge